The following is an entry in ClinVar:

ClinVar aggregate classification (germline): Uncertain significance (1 of 4 stars; one submission).

gnomAD v4.1: 1 of 1,613,942 alleles (0.000062%); highest among the groups gnomAD compares: Non-Finnish European, 0.000085%; no homozygotes.

Submission:

GeneDx
Classification: Uncertain significance. Last evaluated: 2024-03-05. Review status: criteria provided, single submitter. Criteria: GeneDx Variant Classification Process June 2021. Collection method: clinical testing. Allele origin: germline. Affected: yes.
Comment: Not observed at significant frequency in large population cohorts (gnomAD); In silico analysis supports that this missense variant does not alter protein structure/function; Has not been previously published as pathogenic or benign to our knowledge

NM_001292034.3(TAB2):c.1817T>C (p.Ile606Thr)

Gene: TAB2 (TGF-beta activated kinase 1 (MAP3K7) binding protein 2; plus strand). Cytogenetic location: 6q25.1.
Variant type: single nucleotide variant.
Coding change: c.1817T>C on transcript NM_001292034.3 (MANE Select); coding-DNA position 1817, T replaced by C.
Protein change: p.Ile606Thr; replaces isoleucine 606 with threonine.
Molecular consequence: missense variant.
Genome position (GRCh38, 1-based): chr6:149,398,021, T>C. VCF-style: chr6-149398021-T-C. GRCh37 (hg19) VCF-style: chr6-149719157-T-C.
Other names: c.1721T>C, p.Ile574Thr (NM_001292035.3); c.1817T>C, p.Ile606Thr (NM_001369506.1, NM_015093.6); short protein forms I574T, I606T.
Identifiers: ClinVar variation 3766178 (VCV003766178.1).
Genomic context (GRCh38, chr6:149,398,021, plus strand): 5'-TTTTTCAGCTTGAAGAAATGCAGCAGCTGAGAAGTTGTAATAGACAACTCCAGATTGACA[T>C]TGACTGCTTAACCAAAGAAATTGATCTTTTTCAAGCCCGAGGTAAAGTTCAGTGTATTTG-3'
Protein context (NP_001278963.1, residues 596-616): RSCNRQLQID[Ile606Thr]DCLTKEIDLF